The following is an entry in ClinVar:

ClinVar aggregate classification (germline): Uncertain significance (1 of 4 stars; one submission).

Allele frequency attached by ClinVar (database versions not stated): gnomAD exomes below 0.00001; gnomAD 0.00001; TOPMed 0.00002.
gnomAD v4.1: 4 of 1,613,766 alleles (0.00025%); highest among the groups gnomAD compares: African/African-American, 0.004%; no homozygotes.

Submission:

Labcorp Genetics (formerly Invitae), Labcorp
Classification: Uncertain significance. Last evaluated: 2022-09-01. Review status: criteria provided, single submitter. Criteria: Invitae Variant Classification Sherloc (09022015). Collection method: clinical testing. Allele origin: germline.
Comment: In summary, the available evidence is currently insufficient to determine the role of this variant in disease. Therefore, it has been classified as a Variant of Uncertain Significance. Algorithms developed to predict the effect of missense changes on protein structure and function output the following: SIFT: "Tolerated"; PolyPhen-2: "Not Available"; Align-GVGD: "Class C0". The alanine amino acid residue is found in multiple mammalian species, which suggests that this missense change does not adversely affect protein function. ClinVar contains an entry for this variant (Variation ID: 1425563). This variant has not been reported in the literature in individuals affected with PCLO-related conditions. This variant is not present in population databases (gnomAD no frequency). This sequence change replaces valine, which is neutral and non-polar, with alanine, which is neutral and non-polar, at codon 2864 of the PCLO protein (p.Val2864Ala).

NM_033026.6(PCLO):c.8591T>C (p.Val2864Ala)

Gene: PCLO (piccolo presynaptic cytomatrix protein; minus strand). Cytogenetic location: 7q21.11.
Variant type: single nucleotide variant.
Coding change: c.8591T>C on transcript NM_033026.6 (MANE Select); coding-DNA position 8591, T replaced by C.
Protein change: p.Val2864Ala; replaces valine 2864 with alanine.
Molecular consequence: missense variant.
Genome position (GRCh38, 1-based): chr7:82,952,362, A>G on the plus strand (T>C on the coding strand, the complement: PCLO is on the minus strand). VCF-style: chr7-82952362-A-G. GRCh37 (hg19) VCF-style: chr7-82581678-A-G.
Other names: c.8591T>C, p.Val2864Ala (NM_014510.3); short protein forms V2864A.
Identifiers: ClinVar variation 1425563 (VCV001425563.8), dbSNP rs1795375806, ClinGen allele CA367910716.